The following is an entry in ClinVar:

NM_020207.7(ERCC6L2):c.482T>C (p.Phe161Ser)

Gene: ERCC6L2 (ERCC excision repair 6 like 2; plus strand). Cytogenetic location: 9q22.32.
Variant type: single nucleotide variant.
Coding change: c.482T>C on transcript NM_020207.7 (MANE Select); coding-DNA position 482, T replaced by C.
Protein change: p.Phe161Ser; replaces phenylalanine 161 with serine.
Molecular consequence: missense variant. On other transcripts: non-coding transcript variant (1).
Genome position (GRCh38, 1-based): chr9:95,897,859, T>C. VCF-style: chr9-95897859-T-C. GRCh37 (hg19) VCF-style: chr9-98660141-T-C.
Other names: c.482T>C, p.Phe161Ser (NM_001010895.4, NM_001375291.1, NM_001375292.1 and 2 more transcripts); short protein forms F161S.
Identifiers: ClinVar variation 4019367 (VCV004019367.1).

ClinVar aggregate classification (germline): Uncertain significance (1 of 4 stars; one submission).

Conditions:
Inborn genetic diseases. Identifiers: MedGen C0950123, MeSH D030342.

Submission:

Ambry Genetics
Classification: Uncertain significance for Inborn genetic diseases. Last evaluated: 2025-05-20. Review status: criteria provided, single submitter. Criteria: Ambry Variant Classification Scheme 2023. Collection method: clinical testing. Allele origin: germline.
Comment: The p.F161S variant (also known as c.482T>C), located in coding exon 3 of the ERCC6L2 gene, results from a T to C substitution at nucleotide position 482. The phenylalanine at codon 161 is replaced by serine, an amino acid with highly dissimilar properties. This amino acid position is conserved. In addition, this alteration is predicted to be deleterious by in silico analysis. Based on the available evidence, the clinical significance of this variant remains unclear.